The following is an entry in ClinVar:

NM_001042681.2(RERE):c.2214C>T (p.Pro738=)

Gene: RERE (arginine-glutamic acid dipeptide repeats; minus strand). Cytogenetic location: 1p36.23.
Variant type: single nucleotide variant.
Coding change: c.2214C>T on transcript NM_001042681.2 (MANE Select); coding-DNA position 2214, C replaced by T.
Protein change: p.Pro738=; no amino-acid change (proline 738 retained).
Molecular consequence: synonymous variant.
Genome position (GRCh38, 1-based): chr1:8,361,293, G>A on the plus strand (C>T on the coding strand, the complement: RERE is on the minus strand). VCF-style: chr1-8361293-G-A. GRCh37 (hg19) VCF-style: chr1-8421353-G-A.
Other names: c.552C>T, p.Pro184= (NM_001042682.2); c.2214C>T, p.Pro738= (NM_012102.4).
Identifiers: ClinVar variation 732581 (VCV000732581.4), dbSNP rs142031535, ClinGen allele CA571423.

ClinVar aggregate classification (germline): Likely benign. Review status: criteria provided, single submitter (1 of 4 stars). 2 submissions from 2 submitters: Likely benign (1). 1 of the submissions does not count toward it. Last evaluated 2017-12-07.

Conditions:
RERE-related disorder. Also called: RERE-related condition; RERE-Related Disorders. Identifiers: MedGen CN381537.

Allele frequency attached by ClinVar (database versions not stated): gnomAD exomes 0.00001 and 0.00003; ExAC 0.00003; gnomAD 0.00009 and 0.00011; TOPMed 0.00009; ESP Exome Variant Server 0.00015.
gnomAD v4.1: 27 of 1,605,952 alleles (0.0017%); highest among the groups gnomAD compares: African/African-American, 0.035%; no homozygotes.

Submissions (2):

Labcorp Genetics (formerly Invitae), Labcorp
Classification: Likely benign. Last evaluated: 2017-12-07. Review status: criteria provided, single submitter. Criteria: Invitae Variant Classification Sherloc (09022015). Collection method: clinical testing. Allele origin: germline.

PreventionGenetics, part of Exact Sciences
Classification: Likely benign for RERE-related condition. Last evaluated: 2024-06-11. Review status: no assertion criteria provided. Collection method: clinical testing. Allele origin: germline. Not counted in ClinVar's aggregate classification.
Comment: This variant is classified as likely benign based on ACMG/AMP sequence variant interpretation guidelines (Richards et al. 2015 PMID: 25741868, with internal and published modifications).